The following is an entry in ClinVar:

NM_004304.5(ALK):c.649T>C (p.Phe217Leu)

Gene: ALK (ALK receptor tyrosine kinase; minus strand). Cytogenetic location: 2p23.1.
Variant type: single nucleotide variant.
Coding change: c.649T>C on transcript NM_004304.5 (MANE Select); coding-DNA position 649, T replaced by C.
Protein change: p.Phe217Leu; replaces phenylalanine 217 with leucine.
Molecular consequence: missense variant.
Genome position (GRCh38, 1-based): chr2:29,920,011, A>G on the plus strand (T>C on the coding strand, the complement: ALK is on the minus strand). VCF-style: chr2-29920011-A-G. GRCh37 (hg19) VCF-style: chr2-30142877-A-G.
Other names: c.649T>C (NM_004304.4); short protein forms F217L.
Identifiers: ClinVar variation 2887732 (VCV002887732.4), dbSNP rs1482864809, ClinGen allele CA346589619.

ClinVar aggregate classification (germline): Uncertain significance. Review status: criteria provided, multiple submitters, no conflicts (2 of 4 stars). 2 submissions from 2 submitters: Uncertain significance (2). Last evaluated 2025-02-07.

Conditions:
Hereditary cancer-predisposing syndrome. Also called: Neoplastic Syndromes, Hereditary; Tumor predisposition; Hereditary neoplastic syndrome; Hereditary Cancer Syndrome. Identifiers: Orphanet 140162, MedGen C0027672, MeSH D009386, MONDO:0015356.
Neuroblastoma, susceptibility to, 3. Also called: ALK-Related Neuroblastic Tumor Susceptibility. Identifiers: Orphanet 635, MedGen C2751681, MONDO:0013083, OMIM 613014.

Allele frequency attached by ClinVar (database versions not stated): gnomAD 0.00003.
gnomAD v4.1: 13 of 1,613,872 alleles (0.00081%); highest among the groups gnomAD compares: Non-Finnish European, 0.00068%; no homozygotes.

Submissions (2):

Ambry Genetics
Classification: Uncertain significance for Hereditary cancer-predisposing syndrome. Last evaluated: 2025-02-07. Review status: criteria provided, single submitter. Criteria: Ambry Variant Classification Scheme 2023. Collection method: clinical testing. Allele origin: germline.
Comment: The p.F217L variant (also known as c.649T>C), located in coding exon 1 of the ALK gene, results from a T to C substitution at nucleotide position 649. The phenylalanine at codon 217 is replaced by leucine, an amino acid with highly similar properties. This amino acid position is well conserved in available vertebrate species. In addition, this alteration is predicted to be tolerated by in silico analysis. Based on the available evidence, the clinical significance of this variant remains unclear.

Labcorp Genetics (formerly Invitae), Labcorp
Classification: Uncertain significance for Neuroblastoma, susceptibility to, 3. Last evaluated: 2024-12-24. Review status: criteria provided, single submitter. Criteria: Invitae Variant Classification Sherloc (09022015). Collection method: clinical testing. Allele origin: germline.
Comment: This sequence change replaces phenylalanine, which is neutral and non-polar, with leucine, which is neutral and non-polar, at codon 217 of the ALK protein (p.Phe217Leu). This variant is present in population databases (no rsID available, gnomAD 0.01%). This variant has not been reported in the literature in individuals affected with ALK-related conditions. ClinVar contains an entry for this variant (Variation ID: 2887732). An algorithm developed to predict the effect of missense changes on protein structure and function (PolyPhen-2) suggests that this variant is likely to be tolerated. In summary, the available evidence is currently insufficient to determine the role of this variant in disease. Therefore, it has been classified as a Variant of Uncertain Significance.